The following is an entry in ClinVar:

ClinVar aggregate classification (germline): Likely pathogenic (1 of 4 stars; one submission).

Conditions:
Werner syndrome (WRN). Identifiers: Orphanet 902, MedGen C0043119, MONDO:0010196, OMIM 277700.

Allele frequency attached by ClinVar (database versions not stated): gnomAD exomes 0.00001.
gnomAD v4.1: 10 of 1,612,456 alleles (0.00062%); highest among the groups gnomAD compares: Non-Finnish European, 0.00085%; no homozygotes.

Submission:

Labcorp Genetics (formerly Invitae), Labcorp
Classification: Likely pathogenic for Werner syndrome. Last evaluated: 2023-03-21. Review status: criteria provided, single submitter. Criteria: Invitae Variant Classification Sherloc (09022015). Collection method: clinical testing. Allele origin: germline.
Comment: This sequence change affects a donor splice site in intron 12 of the WRN gene. It is expected to disrupt RNA splicing. Variants that disrupt the donor or acceptor splice site typically lead to a loss of protein function (PMID: 16199547), and loss-of-function variants in WRN are known to be pathogenic (PMID: 16673358). This variant is not present in population databases (gnomAD no frequency). This variant has not been reported in the literature in individuals affected with WRN-related conditions. ClinVar contains an entry for this variant (Variation ID: 2098489). Algorithms developed to predict the effect of sequence changes on RNA splicing suggest that this variant may disrupt the consensus splice site. In summary, the currently available evidence indicates that the variant is pathogenic, but additional data are needed to prove that conclusively. Therefore, this variant has been classified as Likely Pathogenic.

Literature cited by the submitters: PubMed 16199547; PubMed 16673358.

NM_000553.6(WRN):c.1576+1G>A

Gene: WRN (WRN RecQ like helicase; plus strand). Cytogenetic location: 8p12.
Variant type: single nucleotide variant.
Coding change: c.1576+1G>A on transcript NM_000553.6 (MANE Select); the canonical splice donor site of the intron after coding-DNA position 1576, G replaced by A.
Molecular consequence: splice donor variant.
Genome position (GRCh38, 1-based): chr8:31,087,921, G>A. VCF-style: chr8-31087921-G-A. GRCh37 (hg19) VCF-style: chr8-30945437-G-A.
Identifiers: ClinVar variation 2098489 (VCV002098489.4), dbSNP rs2535924832, ClinGen allele CA370925029.
Genomic context (GRCh38, chr8:31,087,921, plus strand): 5'-AAGAAGAAGAAGAAGATGATGAAAATGAAGCTAATGAAGGGGAAGAAGATGATGATAAGG[G>A]TAAGCACTGAAGTATGTTTGAAATGACTCACCTGTGATACCTACCACTGACTTTAACTTA-3'